The following is an entry in ClinVar:

ClinVar aggregate classification (germline): Uncertain significance (1 of 4 stars; one submission).

Conditions:
Psoriasis 2. Identifiers: MedGen C1864497, MONDO:0011269, OMIM 602723.
Pityriasis rubra pilaris (PRP). Also called: Pityriasis rubra pilaris--familial type. Identifiers: Orphanet 2897, MedGen C0032027, MONDO:0100017, OMIM 173200, MONDO:0008251.

Submission:

Labcorp Genetics (formerly Invitae), Labcorp
Classification: Uncertain significance for Pityriasis rubra pilaris; Psoriasis 2. Last evaluated: 2025-12-22. Review status: criteria provided, single submitter. Criteria: Invitae Variant Classification Sherloc (09022015). Collection method: clinical testing. Allele origin: germline.
Comment: This sequence change replaces proline, which is neutral and non-polar, with leucine, which is neutral and non-polar, at codon 545 of the CARD14 protein (p.Pro545Leu). This variant is not present in population databases (gnomAD no frequency). This variant has not been reported in the literature in individuals affected with CARD14-related conditions. Invitae Evidence Modeling of protein sequence and biophysical properties (such as structural, functional, and spatial information, amino acid conservation, physicochemical variation, residue mobility, and thermodynamic stability) indicates that this missense variant is not expected to disrupt CARD14 protein function with a negative predictive value of 95%. In summary, the available evidence is currently insufficient to determine the role of this variant in disease. Therefore, it has been classified as a Variant of Uncertain Significance.

NM_001366385.1(CARD14):c.1634C>T (p.Pro545Leu)

Gene: CARD14 (caspase recruitment domain family member 14; plus strand). Cytogenetic location: 17q25.3.
Variant type: single nucleotide variant.
Coding change: c.1634C>T on transcript NM_001366385.1 (MANE Select); coding-DNA position 1634, C replaced by T.
Protein change: p.Pro545Leu; replaces proline 545 with leucine.
Molecular consequence: missense variant. On other transcripts: non-coding transcript variant (1).
Genome position (GRCh38, 1-based): chr17:80,198,138, C>T. VCF-style: chr17-80198138-C-T. GRCh37 (hg19) VCF-style: chr17-78171937-C-T.
Other names: c.1634C>T, p.Pro545Leu (NM_001257970.1, NM_024110.4); c.923C>T, p.Pro308Leu (NM_052819.3); short protein forms P308L, P545L.
Identifiers: ClinVar variation 4783895 (VCV004783895.1).
Genomic context (GRCh38, chr17:80,198,138, plus strand): 5'-GAGCTCTTGGCTTCCTCCCAGACCTTCCGCAGCTGGAAAGCAGCCTGCAGCCAGTCTCCC[C>T]TGGAAGGCTTGATGTCTCGGAGAGGTAAGCAGCAGGTGGGAATCCTCCGAGGCTGGCTGG-3'
Protein context (NP_001353314.1, residues 535-555): QLESSLQPVS[Pro545Leu]GRLDVSESGV